The following is an entry in ClinVar:

NM_005045.4(RELN):c.8119+17G>A

Gene: RELN (reelin; minus strand). Cytogenetic location: 7q22.1.
Variant type: single nucleotide variant.
Coding change: c.8119+17G>A on transcript NM_005045.4 (MANE Select); 17 bases into the intron after coding-DNA position 8119, G replaced by A.
Molecular consequence: intron variant.
Genome position (GRCh38, 1-based): chr7:103,515,168, C>T on the plus strand (G>A on the coding strand, the complement: RELN is on the minus strand). VCF-style: chr7-103515168-C-T. GRCh37 (hg19) VCF-style: chr7-103155615-C-T.
Other names: c.8119+17G>A (NM_173054.3).
Identifiers: ClinVar variation 388179 (VCV000388179.8), dbSNP rs377519588, ClinGen allele CA4420557.
Genomic context (GRCh38, chr7:103,515,168, plus strand): 5'-TTGCTCTTTTGAAAAGACCCAAATCCAAACCACTGCATTTCCACTGGGCTTTTTATTTAG[C>T]GCTGTGCATAATTTACCTGAAGTTTTGTCTTCCATAAACATGTCAAAGGCGATCCTCCCG-3'

ClinVar aggregate classification (germline): Likely benign. Review status: criteria provided, multiple submitters, no conflicts (2 of 4 stars). 2 submissions from 2 submitters: Likely benign (2). Last evaluated 2024-11-21.

Conditions:
Norman-Roberts syndrome (LIS2). Also called: Lissencephaly 2 (Norman-Roberts type). Identifiers: Orphanet 89844, MedGen C0796089, MONDO:0009760, OMIM 257320.
Familial temporal lobe epilepsy 7. Identifiers: Orphanet 101046, MedGen C4225327, MONDO:0014639, OMIM 616436.

Allele frequency attached by ClinVar (database versions not stated): gnomAD exomes 0.00002 and 0.00003; gnomAD 0.00003 and 0.00004; ExAC 0.00004; TOPMed 0.00004; ESP Exome Variant Server 0.00008.
gnomAD v4.1: 39 of 1,613,948 alleles (0.0024%); highest among the groups gnomAD compares: Middle Eastern, 0.033%; no homozygotes.

Submissions (2):

Labcorp Genetics (formerly Invitae), Labcorp
Classification: Likely benign for Familial temporal lobe epilepsy 7; Norman-Roberts syndrome. Last evaluated: 2024-11-21. Review status: criteria provided, single submitter. Criteria: Invitae Variant Classification Sherloc (09022015). Collection method: clinical testing. Allele origin: germline.

GeneDx
Classification: Likely benign. Last evaluated: 2016-07-29. Review status: criteria provided, single submitter. Criteria: GeneDx Variant Classification (06012015). Collection method: clinical testing. Allele origin: germline. Affected: yes.
Comment: This variant is considered likely benign or benign based on one or more of the following criteria: it is a conservative change, it occurs at a poorly conserved position in the protein, it is predicted to be benign by multiple in silico algorithms, and/or has population frequency not consistent with disease.